The following is an entry in ClinVar:

ClinVar aggregate classification (germline): Uncertain significance (1 of 4 stars; one submission).

Submission:

Labcorp Genetics (formerly Invitae), Labcorp
Classification: Uncertain significance. Last evaluated: 2022-07-06. Review status: criteria provided, single submitter. Criteria: Invitae Variant Classification Sherloc (09022015). Collection method: clinical testing. Allele origin: germline.
Comment: This sequence change creates a premature translational stop signal (p.Ser111Phefs*18) in the EXOSC2 gene. It is expected to result in an absent or disrupted protein product. However, the current clinical and genetic evidence is not sufficient to establish whether loss-of-function variants in EXOSC2 cause disease. This variant is not present in population databases (gnomAD no frequency). This variant has not been reported in the literature in individuals affected with EXOSC2-related conditions. In summary, the available evidence is currently insufficient to determine the role of this variant in disease. Therefore, it has been classified as a Variant of Uncertain Significance.

NM_014285.7(EXOSC2):c.331dup (p.Ser111fs)

Gene: EXOSC2 (exosome component 2; plus strand). Cytogenetic location: 9q34.12.
Variant type: Duplication.
Coding change: c.331dup on transcript NM_014285.7 (MANE Select); coding-DNA position 331, one base duplicated (T; older notation c.331dupT).
Protein change: p.Ser111fs; shifts the reading frame from serine 111.
Molecular consequence: frameshift variant. On other transcripts: non-coding transcript variant (1), intron variant (1).
Genome position (GRCh38, 1-based): chr9:130,698,222, T duplicated. VCF-style (leftmost placement, unchanged base first): chr9-130698221-C-CT. GRCh37 (hg19) VCF-style: chr9-133573608-C-CT.
Other names: c.331dup, p.Ser111fs (NM_001282708.1); c.270+595dup (NM_001282709.1); short protein forms S111fs.
Identifiers: ClinVar variation 2014337 (VCV002014337.4), dbSNP rs2490785355, ClinGen allele CA2580079814.
Genomic context (GRCh38, chr9:130,698,221, plus strand): 5'-GGTTCAACAGAAGAGGTGGAAGGTGGAGACCAACTCCAGGCTGGATTCGGTCTTGCTGCT[C>CT]TCGTCCATGAACCTTCCTGGAGGAGAGCTGGTAAGGGCTACAGCTGGGGCCATGGACTAG-3'